The following is an entry in ClinVar:

ClinVar aggregate classification (germline): Benign. Review status: criteria provided, multiple submitters, no conflicts (2 of 4 stars). 2 submissions from 2 submitters: Benign (2). Last evaluated 2018-06-14.

Allele frequency attached by ClinVar (database versions not stated): TOPMed 0.86509; 1000 Genomes Project 30x 0.86696; 1000 Genomes Project 0.87001; gnomAD 0.87373 and 0.87986; gnomAD exomes 0.94929.
gnomAD v4.1: 438,808 of 473,320 alleles (93%); highest among the groups gnomAD compares: East Asian, 100%; 205,456 homozygotes.

Submissions (2):

GeneDx
Classification: Benign. Last evaluated: 2018-06-14. Review status: criteria provided, single submitter. Criteria: GeneDx Variant Classification (06012015). Collection method: clinical testing. Allele origin: germline. Affected: yes.
Comment: This variant is considered likely benign or benign based on one or more of the following criteria: it is a conservative change, it occurs at a poorly conserved position in the protein, it is predicted to be benign by multiple in silico algorithms, and/or has population frequency not consistent with disease.

Breakthrough Genomics
Classification: Benign. Review status: criteria provided, single submitter. Criteria: ACMG Guidelines, 2015. Collection method: not provided. Allele origin: germline. Inheritance: Autosomal dominant inheritance. Affected: yes.

NM_000744.7(CHRNA4):c.77-250T>G

Gene: CHRNA4 (cholinergic receptor nicotinic alpha 4 subunit; minus strand). Cytogenetic location: 20q13.33.
Variant type: single nucleotide variant.
Coding change: c.77-250T>G on transcript NM_000744.7 (MANE Select); 250 bases into the intron before coding-DNA position 77, T replaced by G.
Molecular consequence: intron variant.
Genome position (GRCh38, 1-based): chr20:63,359,949, A>C on the plus strand (T>G on the coding strand, the complement: CHRNA4 is on the minus strand). VCF-style: chr20-63359949-A-C. GRCh37 (hg19) VCF-style: chr20-61991301-A-C.
Other names: c.-470-250T>G (NM_001256573.2).
Identifiers: ClinVar variation 679895 (VCV000679895.2), dbSNP rs45457196, ClinGen allele CA14824382.